The following is an entry in ClinVar:

NM_001077418.3(TMEM231):c.310-18C>T

Gene: TMEM231 (transmembrane protein 231; minus strand). Cytogenetic location: 16q23.1.
Variant type: single nucleotide variant.
Coding change: c.310-18C>T on transcript NM_001077418.3 (MANE Select); 18 bases into the intron before coding-DNA position 310, C replaced by T.
Molecular consequence: intron variant. On other transcripts: non-coding transcript variant (1).
Genome position (GRCh38, 1-based): chr16:75,545,972, G>A on the plus strand (C>T on the coding strand, the complement: TMEM231 is on the minus strand). VCF-style: chr16-75545972-G-A. GRCh37 (hg19) VCF-style: chr16-75579870-G-A.
Other names: c.-57C>T (NM_001077419.1); c.469-18C>T (NM_001077416.2).
Identifiers: ClinVar variation 1956030 (VCV001956030.5), dbSNP rs2507330136, ClinGen allele CA656697953.

ClinVar aggregate classification (germline): Uncertain significance (1 of 4 stars; one submission).

Conditions:
Joubert syndrome 20 (JBTS20). Identifiers: Orphanet 475, MedGen C3554235, MONDO:0013994, OMIM 614970.
Meckel syndrome, type 11 (MKS11). Identifiers: Orphanet 564, MedGen C3809352, MONDO:0014164, OMIM 615397.

Submission:

Labcorp Genetics (formerly Invitae), Labcorp
Classification: Uncertain significance for Joubert syndrome 20; Meckel syndrome, type 11. Last evaluated: 2022-03-23. Review status: criteria provided, single submitter. Criteria: Invitae Variant Classification Sherloc (09022015). Collection method: clinical testing. Allele origin: germline.
Comment: In summary, the available evidence is currently insufficient to determine the role of this variant in disease. Therefore, it has been classified as a Variant of Uncertain Significance. Algorithms developed to predict the effect of sequence changes on RNA splicing suggest that this variant may disrupt the consensus splice site. This variant has not been reported in the literature in individuals affected with TMEM231-related conditions. This variant is not present in population databases (gnomAD no frequency). This sequence change falls in intron 1 of the TMEM231 gene. It does not directly change the encoded amino acid sequence of the TMEM231 protein.